The following is an entry in ClinVar:

NM_013386.5(SLC25A24):c.1385A>G (p.Tyr462Cys)

Gene: SLC25A24 (solute carrier family 25 member 24; minus strand). Cytogenetic location: 1p13.3.
Variant type: single nucleotide variant.
Coding change: c.1385A>G on transcript NM_013386.5 (MANE Select); coding-DNA position 1385, A replaced by G.
Protein change: p.Tyr462Cys; replaces tyrosine 462 with cysteine.
Molecular consequence: missense variant.
Genome position (GRCh38, 1-based): chr1:108,136,702, T>C on the plus strand (A>G on the coding strand, the complement: SLC25A24 is on the minus strand). VCF-style: chr1-108136702-T-C. GRCh37 (hg19) VCF-style: chr1-108679324-T-C.
Other names: c.1328A>G, p.Tyr443Cys (NM_213651.3); short protein forms Y443C, Y462C.
Identifiers: ClinVar variation 1312910 (VCV001312910.2), dbSNP rs2101592553, ClinGen allele CA341185062.

ClinVar aggregate classification (germline): Uncertain significance (1 of 4 stars; one submission).

Submission:

GeneDx
Classification: Uncertain significance. Last evaluated: 2020-08-11. Review status: criteria provided, single submitter. Criteria: GeneDx Variant Classification Process June 2021. Collection method: clinical testing. Allele origin: germline. Affected: yes.
Comment: Not observed in large population cohorts (Lek et al., 2016); In silico analysis supports that this missense variant has a deleterious effect on protein structure/function; Has not been previously published as pathogenic or benign to our knowledge